The following is an entry in ClinVar:

ClinVar aggregate classification (germline): Likely benign. Review status: criteria provided, single submitter (1 of 4 stars). 2 submissions from 2 submitters: Likely benign (1). 1 of the submissions does not count toward it. Last evaluated 2023-05-22.

Conditions:
PTCH2-related disorder. Also called: PTCH2-related condition; PTCH2-related disease.
Gorlin syndrome. Also called: Basal cell nevus syndrome; Nevoid Basal Cell Carcinoma Syndrome. Identifiers: Orphanet 377, MedGen C0004779, MONDO:0007187.

Allele frequency attached by ClinVar (database versions not stated): TOPMed below 0.00001; gnomAD exomes 0.00001.
gnomAD v4.1: 3 of 1,552,514 alleles (0.00019%); highest among the groups gnomAD compares: Admixed American, 0.0039%; no homozygotes.

Submissions (2):

Labcorp Genetics (formerly Invitae), Labcorp
Classification: Likely benign for Gorlin syndrome. Last evaluated: 2023-05-22. Review status: criteria provided, single submitter. Criteria: Invitae Variant Classification Sherloc (09022015). Collection method: clinical testing. Allele origin: germline.

PreventionGenetics, part of Exact Sciences
Classification: Likely benign for PTCH2-related condition. Last evaluated: 2024-07-17. Review status: no assertion criteria provided. Collection method: clinical testing. Allele origin: germline. Not counted in ClinVar's aggregate classification.
Comment: This variant is classified as likely benign based on ACMG/AMP sequence variant interpretation guidelines (Richards et al. 2015 PMID: 25741868, with internal and published modifications).

NM_003738.5(PTCH2):c.1464+10T>C

Gene: PTCH2 (patched 2; minus strand). Cytogenetic location: 1p34.1.
Variant type: single nucleotide variant.
Coding change: c.1464+10T>C on transcript NM_003738.5 (MANE Select); 10 bases into the intron after coding-DNA position 1464, T replaced by C.
Molecular consequence: intron variant.
Genome position (GRCh38, 1-based): chr1:44,828,972, A>G on the plus strand (T>C on the coding strand, the complement: PTCH2 is on the minus strand). VCF-style: chr1-44828972-A-G. GRCh37 (hg19) VCF-style: chr1-45294644-A-G.
Other names: c.1464+10T>C (NM_001166292.2, NM_003738.4).
Identifiers: ClinVar variation 2869457 (VCV002869457.4), dbSNP rs1226931959, ClinGen allele CA522542275.